The following is an entry in ClinVar:

ClinVar aggregate classification (germline): Uncertain significance (1 of 4 stars; one submission).

Submission:

Women's Health and Genetics/Laboratory Corporation of America, LabCorp
Classification: Uncertain significance. Last evaluated: 2024-11-18. Review status: criteria provided, single submitter. Criteria: LabCorp Variant Classification Summary - May 2015. Collection method: clinical testing. Allele origin: germline.
Comment: Variant summary: KMT2A c.4180C>A (p.Pro1394Thr) results in a non-conservative amino acid change in the encoded protein sequence. Four of five in-silico tools predict a damaging effect of the variant on protein function. The variant was absent in 251440 control chromosomes. The available data on variant occurrences in the general population are insufficient to allow any conclusion about variant significance. To our knowledge, no occurrence of c.4180C>A in individuals affected with Wiedemann-Steiner Syndrome and no experimental evidence demonstrating its impact on protein function have been reported. No submitters have cited clinical-significance assessments for this variant to ClinVar. Based on the evidence outlined above, the variant was classified as uncertain significance.

NM_001197104.2(KMT2A):c.4180C>A (p.Pro1394Thr)

Gene: KMT2A (lysine methyltransferase 2A; plus strand). Cytogenetic location: 11q23.3.
Variant type: single nucleotide variant.
Coding change: c.4180C>A on transcript NM_001197104.2 (MANE Select); coding-DNA position 4180, C replaced by A.
Protein change: p.Pro1394Thr; replaces proline 1394 with threonine.
Molecular consequence: missense variant.
Genome position (GRCh38, 1-based): chr11:118,484,276, C>A. VCF-style: chr11-118484276-C-A. GRCh37 (hg19) VCF-style: chr11-118354991-C-A.
Other names: c.4279C>A, p.Pro1427Thr (NM_001412597.1); c.4180C>A, p.Pro1394Thr (NM_005933.4); short protein forms P1394T, P1427T.
Identifiers: ClinVar variation 3629602 (VCV003629602.1).
Genomic context (GRCh38, chr11:118,484,276, plus strand): 5'-GCAGGCACTTTGAACATCCTCAGCACTCTCTCCAATGGCAATAGTTCTAAGCAAAAAATT[C>A]CAGCAGATGGAGTCCACAGGATCAGAGTGGACTTTAAGGTAAAGGTGTTCAGTGATCATA-3'
Protein context (NP_001184033.1, residues 1384-1404): SNGNSSKQKI[Pro1394Thr]ADGVHRIRVD